The following is an entry in ClinVar:

ClinVar aggregate classification (germline): Uncertain significance (1 of 4 stars; one submission).

Conditions:
LRRC45-related disorder. Also called: LRRC45-related condition.

Submission:

PreventionGenetics, part of Exact Sciences
Classification: Uncertain significance for LRRC45-related condition. Last evaluated: 2025-12-09. Review status: criteria provided, single submitter. Criteria: ACMG Guidelines, 2015. Collection method: clinical testing. Allele origin: germline.
Comment: The LRRC45 c.1966G>A variant is predicted to result in the amino acid substitution p.Ala656Thr. To our knowledge, this variant has not been reported in the literature. This variant is reported in 0.011% of alleles in individuals of African descent in gnomAD. At this time, the clinical significance of this variant is uncertain due to the absence of conclusive functional and genetic evidence.

NM_144999.4(LRRC45):c.1966G>A (p.Ala656Thr)

Gene: LRRC45 (leucine rich repeat containing 45; plus strand). Cytogenetic location: 17q25.3.
Variant type: single nucleotide variant.
Coding change: c.1966G>A on transcript NM_144999.4 (MANE Select); coding-DNA position 1966, G replaced by A.
Protein change: p.Ala656Thr; replaces alanine 656 with threonine.
Molecular consequence: missense variant.
Genome position (GRCh38, 1-based): chr17:82,030,758, G>A. VCF-style: chr17-82030758-G-A. GRCh37 (hg19) VCF-style: chr17-79988634-G-A.
Other names: short protein forms A656T.
Identifiers: ClinVar variation 4981107 (VCV004981107.1).
Genomic context (GRCh38, chr17:82,030,758, plus strand): 5'-ATCGCCCGCATCCGGGACGAGGAGGCCCAGAGGGCGAGCTTCCTGCAGAACGCCGTCCTG[G>A]CTTACGTGCAGGCGTCCCCCGTGAGGACCCTGAGCCCCCCAAAGTGAGACAGGCCGGGAG-3'
Protein context (NP_659436.1, residues 646-666): RASFLQNAVL[Ala656Thr]YVQASPVRTL